The following is an entry in ClinVar:

ClinVar aggregate classification (germline): Uncertain significance (1 of 4 stars; one submission).

Conditions:
Inborn genetic diseases. Identifiers: MedGen C0950123, MeSH D030342.

gnomAD v4.1: 2 of 1,613,068 alleles (0.00012%); highest among the groups gnomAD compares: African/African-American, 0.0027%; no homozygotes.

Submission:

Ambry Genetics
Classification: Uncertain significance for Inborn genetic diseases. Last evaluated: 2025-02-08. Review status: criteria provided, single submitter. Criteria: Ambry Variant Classification Scheme 2023. Collection method: clinical testing. Allele origin: germline.
Comment: The p.S319G variant (also known as c.955A>G), located in coding exon 7 of the KDM1A gene, results from an A to G substitution at nucleotide position 955. The serine at codon 319 is replaced by glycine, an amino acid with similar properties. This amino acid position is conserved. In addition, the in silico prediction for this alteration is inconclusive. Based on the available evidence, the clinical significance of this variant remains unclear.

NM_001009999.3(KDM1A):c.955A>G (p.Ser319Gly)

Gene: KDM1A (lysine demethylase 1A; plus strand). Cytogenetic location: 1p36.12.
Variant type: single nucleotide variant.
Coding change: c.955A>G on transcript NM_001009999.3 (MANE Select); coding-DNA position 955, A replaced by G.
Protein change: p.Ser319Gly; replaces serine 319 with glycine.
Molecular consequence: missense variant.
Genome position (GRCh38, 1-based): chr1:23,056,003, A>G. VCF-style: chr1-23056003-A-G. GRCh37 (hg19) VCF-style: chr1-23382496-A-G.
Other names: c.895A>G, p.Ser299Gly (NM_001363654.2, NM_001410763.1, NM_015013.4); c.955A>G, p.Ser319Gly (NM_001410762.1); short protein forms S299G, S319G.
Identifiers: ClinVar variation 3863318 (VCV003863318.1).